The following is an entry in ClinVar:

ClinVar aggregate classification (germline): Uncertain significance (1 of 4 stars; one submission).

gnomAD v4.1: 55 of 1,613,604 alleles (0.0034%); highest among the groups gnomAD compares: Middle Eastern, 0.034%; no homozygotes.

Submission:

Labcorp Genetics (formerly Invitae), Labcorp
Classification: Uncertain significance. Last evaluated: 2022-10-04. Review status: criteria provided, single submitter. Criteria: Invitae Variant Classification Sherloc (09022015). Collection method: clinical testing. Allele origin: germline.
Comment: This sequence change replaces arginine, which is basic and polar, with histidine, which is basic and polar, at codon 298 of the SLC45A2 protein (p.Arg298His). This variant is present in population databases (rs374649089, gnomAD 0.009%). This variant has not been reported in the literature in individuals affected with SLC45A2-related conditions. ClinVar contains an entry for this variant (Variation ID: 1401424). Advanced modeling of protein sequence and biophysical properties (such as structural, functional, and spatial information, amino acid conservation, physicochemical variation, residue mobility, and thermodynamic stability) performed at Invitae indicates that this missense variant is not expected to disrupt SLC45A2 protein function. In summary, the available evidence is currently insufficient to determine the role of this variant in disease. Therefore, it has been classified as a Variant of Uncertain Significance.

NM_016180.5(SLC45A2):c.893G>A (p.Arg298His)

Gene: SLC45A2 (solute carrier family 45 member 2; minus strand). Cytogenetic location: 5p13.2.
Variant type: single nucleotide variant.
Coding change: c.893G>A on transcript NM_016180.5 (MANE Select); coding-DNA position 893, G replaced by A.
Protein change: p.Arg298His; replaces arginine 298 with histidine.
Molecular consequence: missense variant. On other transcripts: synonymous variant (1).
Genome position (GRCh38, 1-based): chr5:33,954,500, C>T on the plus strand (G>A on the coding strand, the complement: SLC45A2 is on the minus strand). VCF-style: chr5-33954500-C-T. GRCh37 (hg19) VCF-style: chr5-33954605-C-T.
Other names: c.893G>A, p.Arg298His (NM_001012509.4); c.567G>A, p.Ser189= (NM_001297417.4); short protein forms R298H.
Identifiers: ClinVar variation 1401424 (VCV001401424.6), dbSNP rs374649089, ClinGen allele CA3225652.